The following is an entry in ClinVar:

ClinVar aggregate classification (germline): Uncertain significance (1 of 4 stars; one submission).

Conditions:
Cardiovascular phenotype. Identifiers: MedGen CN230736.

gnomAD v4.1: 1 of 1,614,096 alleles (0.000062%); highest among the groups gnomAD compares: Non-Finnish European, 0.000085%; no homozygotes.

Submission:

Ambry Genetics
Classification: Uncertain significance for Cardiovascular phenotype. Last evaluated: 2026-03-12. Review status: criteria provided, single submitter. Criteria: Ambry Variant Classification Scheme 2023. Collection method: clinical testing. Allele origin: germline.
Comment: The p.C1684R variant (also known as c.5050T>C), located in coding exon 11 of the ALPK3 gene, results from a T to C substitution at nucleotide position 5050. The cysteine at codon 1684 is replaced by arginine, an amino acid with highly dissimilar properties. This amino acid position is conserved. In addition, this alteration is predicted to be tolerated by in silico analysis. Based on the available evidence, the clinical significance of this variant remains unclear.

NM_020778.5(ALPK3):c.4444T>C (p.Cys1482Arg)

Gene: ALPK3 (alpha kinase 3; plus strand). Cytogenetic location: 15q25.3.
Variant type: single nucleotide variant.
Coding change: c.4444T>C on transcript NM_020778.5 (MANE Select); coding-DNA position 4444, T replaced by C.
Protein change: p.Cys1482Arg; replaces cysteine 1482 with arginine.
Molecular consequence: missense variant.
Genome position (GRCh38, 1-based): chr15:84,863,585, T>C. VCF-style: chr15-84863585-T-C. GRCh37 (hg19) VCF-style: chr15-85406816-T-C.
Other names: short protein forms C1482R.
Identifiers: ClinVar variation 4826143 (VCV004826143.1).
Genomic context (GRCh38, chr15:84,863,585, plus strand): 5'-CACCACATTTGGTTCCCTCATCCACAGGGGTGCAAGATCCAGAACATGAGTCGGGAGTAC[T>C]GCAAAATCTTCGCAGCAGAAGCCCGGGCCGCGCCTGGCTTTGGGGAGGTGCCTGAGTAAG-3'
Protein context (NP_065829.4, residues 1472-1492): CKIQNMSREY[Cys1482Arg]KIFAAEARAA